The following is an entry in ClinVar:

NM_025233.7(COASY):c.1541G>A (p.Arg514Gln)

Gene: COASY (Coenzyme A synthase; plus strand). Cytogenetic location: 17q21.2.
Variant type: single nucleotide variant.
Coding change: c.1541G>A on transcript NM_025233.7 (MANE Select); coding-DNA position 1541, G replaced by A.
Protein change: p.Arg514Gln; replaces arginine 514 with glutamine.
Molecular consequence: missense variant.
Genome position (GRCh38, 1-based): chr17:42,565,714, G>A. VCF-style: chr17-42565714-G-A. GRCh37 (hg19) VCF-style: chr17-40717732-G-A.
Other names: c.1541G>A, p.Arg514Gln (NM_001042529.3); c.1628G>A, p.Arg543Gln (NM_001042532.4); short protein forms R514Q, R543Q.
Identifiers: ClinVar variation 2444702 (VCV002444702.1), dbSNP rs759078658, ClinGen allele CA8578390.

ClinVar aggregate classification (germline): Uncertain significance (1 of 4 stars; one submission).

Allele frequency attached by ClinVar (database versions not stated): gnomAD exomes 0.00001; TOPMed 0.00001; ExAC 0.00002; gnomAD 0.00002.
gnomAD v4.1: 19 of 1,613,892 alleles (0.0012%); highest among the groups gnomAD compares: East Asian, 0.0022%; no homozygotes.

Submission:

GeneDx
Classification: Uncertain significance. Last evaluated: 2022-09-14. Review status: criteria provided, single submitter. Criteria: GeneDx Variant Classification Process June 2021. Collection method: clinical testing. Allele origin: germline. Affected: yes.
Comment: Not observed at significant frequency in large population cohorts (gnomAD); In silico analysis supports that this missense variant has a deleterious effect on protein structure/function; Has not been previously published as pathogenic or benign to our knowledge